The following is an entry in ClinVar:

NM_001042413.2(GLIS3):c.*712C>T

Gene: GLIS3 (GLIS family zinc finger 3; minus strand). Cytogenetic location: 9p24.2.
Variant type: single nucleotide variant.
Coding change: c.*712C>T on transcript NM_001042413.2 (MANE Select); 712 bases downstream of the stop codon, C replaced by T.
Molecular consequence: 3 prime UTR variant.
Genome position (GRCh38, 1-based): chr9:3,827,560, G>A on the plus strand (C>T on the coding strand, the complement: GLIS3 is on the minus strand). VCF-style: chr9-3827560-G-A. GRCh37 (hg19) VCF-style: chr9-3827560-G-A.
Other names: c.*712C>T (NM_152629.4).
Identifiers: ClinVar variation 366944 (VCV000366944.6), dbSNP rs912257, ClinGen allele CA10633757.
Genomic context (GRCh38, chr9:3,827,560, plus strand): 5'-AACTAACATGCTAGAGGTGGGGCCAGGCAGAACCACAGCTGTGCAAAATGTCTATAGCTG[G>A]GGTGATTACAATAATAATGATTTCCATCCAAAGCACAGACCTTTACATTTTTTTTTCATT-3'

ClinVar aggregate classification (germline): Benign. Review status: criteria provided, multiple submitters, no conflicts (2 of 4 stars). 2 submissions from 2 submitters: Benign (2). Last evaluated 2018-01-13.

Conditions:
Neonatal diabetes mellitus with congenital hypothyroidism. Also called: NDH SYNDROME. Identifiers: Orphanet 79118, MedGen C1857775, MONDO:0012436, OMIM 610199.

Allele frequency attached by ClinVar (database versions not stated): 1000 Genomes Project 30x 0.94566; 1000 Genomes Project 0.94748; TOPMed 0.94901; gnomAD 0.95023 and 0.95342; gnomAD exomes 0.99872.
gnomAD v4.1: 146,021 of 153,036 alleles (95%); highest among the groups gnomAD compares: Middle Eastern, 100%; 70,101 homozygotes.

Submissions (2):

Illumina Laboratory Services, Illumina
Classification: Benign for Neonatal diabetes mellitus with congenital hypothyroidism. Last evaluated: 2018-01-13. Review status: criteria provided, single submitter. Criteria: ICSL Variant Classification Criteria 13 December 2019. Collection method: clinical testing. Allele origin: germline.
Comment: This variant was observed in the ICSL laboratory as part of a predisposition screen in an ostensibly healthy population. It had not been previously curated by ICSL or reported in the Human Gene Mutation Database (HGMD: prior to June 1st, 2018), and was therefore a candidate for classification through an automated scoring system. Utilizing variant allele frequency, disease prevalence and penetrance estimates, and inheritance mode, an automated score was calculated to assess if this variant is too frequent to cause the disease. Based on the score and internal cut-off values, a variant classified as benign is not then subjected to further curation. The score for this variant resulted in a classification of benign for this disease.

Breakthrough Genomics
Classification: Benign. Review status: criteria provided, single submitter. Criteria: ACMG Guidelines, 2015. Collection method: not provided. Allele origin: germline. Inheritance: Autosomal recessive inheritance. Affected: yes.